The following is an entry in ClinVar:

NM_000836.4(GRIN2D):c.3448G>A (p.Gly1150Ser)

Gene: GRIN2D (glutamate ionotropic receptor NMDA type subunit 2D; plus strand). Cytogenetic location: 19q13.33.
Variant type: single nucleotide variant.
Coding change: c.3448G>A on transcript NM_000836.4 (MANE Select); coding-DNA position 3448, G replaced by A.
Protein change: p.Gly1150Ser; replaces glycine 1150 with serine.
Molecular consequence: missense variant.
Genome position (GRCh38, 1-based): chr19:48,443,374, G>A. VCF-style: chr19-48443374-G-A. GRCh37 (hg19) VCF-style: chr19-48946631-G-A.
Other names: short protein forms G1150S.
Identifiers: ClinVar variation 2997428 (VCV002997428.3), dbSNP rs2513693298, ClinGen allele CA406676275.

ClinVar aggregate classification (germline): Uncertain significance (1 of 4 stars; one submission).

Submission:

Labcorp Genetics (formerly Invitae), Labcorp
Classification: Uncertain significance. Last evaluated: 2023-05-30. Review status: criteria provided, single submitter. Criteria: Invitae Variant Classification Sherloc (09022015). Collection method: clinical testing. Allele origin: germline.
Comment: In summary, the available evidence is currently insufficient to determine the role of this variant in disease. Therefore, it has been classified as a Variant of Uncertain Significance. Advanced modeling of protein sequence and biophysical properties (such as structural, functional, and spatial information, amino acid conservation, physicochemical variation, residue mobility, and thermodynamic stability) performed at Invitae indicates that this missense variant is not expected to disrupt GRIN2D protein function. This variant has not been reported in the literature in individuals affected with GRIN2D-related conditions. This variant is not present in population databases (gnomAD no frequency). This sequence change replaces glycine, which is neutral and non-polar, with serine, which is neutral and polar, at codon 1150 of the GRIN2D protein (p.Gly1150Ser).